The following is an entry in ClinVar:

ClinVar aggregate classification (germline): Uncertain significance (1 of 4 stars; one submission).

Conditions:
Rhabdoid tumor predisposition syndrome 2 (RTPS2). Identifiers: Orphanet 231108, Orphanet 69077, MedGen C2750074, MONDO:0013224, OMIM 613325.

Submission:

Labcorp Genetics (formerly Invitae), Labcorp
Classification: Uncertain significance for Rhabdoid tumor predisposition syndrome 2. Last evaluated: 2021-11-24. Review status: criteria provided, single submitter. Criteria: Invitae Variant Classification Sherloc (09022015). Collection method: clinical testing. Allele origin: germline.
Comment: In summary, the available evidence is currently insufficient to determine the role of this variant in disease. Therefore, it has been classified as a Variant of Uncertain Significance. This variant has not been reported in the literature in individuals affected with SMARCA4-related conditions. This variant is not present in population databases (gnomAD no frequency). This sequence change creates a premature translational stop signal (p.Arg1419Leufs*76) in the SMARCA4 gene. Loss-of-function variants in SMARCA4 are known to be pathogenic (PMID: 24658001, 24658002). However, tissue-specific alternative splicing of SMARCA4 gene results in functional isoforms lacking in-frame exon 30 (also known as exon 28B, PMID: 18437052). For this reason the clinical significance of loss of function variants in exon 30 is currently uncertain.

Literature cited by the submitters: PubMed 24658001; PubMed 24658002.

NM_001387283.1(SMARCA4):c.4256del (p.Arg1419fs)

Gene: SMARCA4 (SWI/SNF related BAF chromatin remodeling complex subunit ATPase 4; plus strand). Cytogenetic location: 19p13.2.
Variant type: Deletion.
Coding change: c.4256del on transcript NM_001387283.1 (MANE Plus Clinical); coding-DNA position 4256, one base deleted (G; older notation c.4256delG).
Protein change: p.Arg1419fs; shifts the reading frame from arginine 1419.
Molecular consequence: frameshift variant. On other transcripts: intron variant (7).
Genome position (GRCh38, 1-based): chr19:11,039,543, G deleted. VCF-style (leftmost placement, unchanged base first): chr19-11039542-CG-C. GRCh37 (hg19) VCF-style: chr19-11150218-CG-C.
Other names: c.4256del, p.Arg1419fs (NM_001128849.3); c.4171-1764del (NM_001128844.3, NM_003072.5); c.4072-1764del (NM_001128847.4, NM_001374457.1, NM_001128848.2); c.4072-1755del (NM_001128845.2, NM_001128846.2); short protein forms R1419fs.
Identifiers: ClinVar variation 1490736 (VCV001490736.6), dbSNP rs2146777667, ClinGen allele CA2573155629.
Genomic context (GRCh38, chr19:11,039,542, plus strand): 5'-GACACAGCCAGCAGTGTGGCACGTGGGCTACAATTCCAGCGTGGCCTTCAGTTCTGCACA[CG>C]TGCGTCAAAGGTGGGGAGAGTTCTGGTGGTGGGTGGCGCTGAGGGCTGCACAACACTGGG-3'